The following is an entry in ClinVar:

NM_007294.4(BRCA1):c.4339C>T (p.Gln1447Ter)

Gene: BRCA1 (BRCA1 DNA repair associated; minus strand). Cytogenetic location: 17q21.31.
Variant type: single nucleotide variant.
Coding change: c.4339C>T on transcript NM_007294.4 (MANE Select); coding-DNA position 4339, C replaced by T.
Protein change: p.Gln1447Ter; replaces glutamine 1447 with a stop codon.
Molecular consequence: nonsense. On other transcripts: non-coding transcript variant (1).
Genome position (GRCh38, 1-based): chr17:43,082,422, G>A on the plus strand (C>T on the coding strand, the complement: BRCA1 is on the minus strand). VCF-style: chr17-43082422-G-A. GRCh37 (hg19) VCF-style: chr17-41234439-G-A.
Other names: 4458C>T; c.4339C>T (NM_007300.3); c.4339C>T, p.Gln1447Ter (NM_001407618.1, NM_001407619.1, NM_001407620.1 and 23 more transcripts); c.4336C>T, p.Gln1446Ter (NM_001407624.1, NM_001407625.1, NM_001407626.1 and 21 more transcripts); c.4333C>T, p.Gln1445Ter (NM_001407627.1, NM_001407644.1, NM_001407645.1 and 5 more transcripts); c.4327C>T, p.Gln1443Ter (NM_001407646.1, NM_001407647.1); c.4255C>T, p.Gln1419Ter (NM_001407659.1, NM_001407660.1); c.4258C>T, p.Gln1420Ter (NM_001407661.1, NM_001407662.1, NM_001407663.1 and 1 more transcripts); and 53 more; short protein forms Q1447*, Q344*, Q1400*, Q1278*, Q1336*, Q1399*, Q1419*, Q1421*.
Identifiers: ClinVar variation 55173 (VCV000055173.22), dbSNP rs80357067, ClinGen allele CA002775.

ClinVar aggregate classification (germline): Pathogenic. Review status: reviewed by expert panel (3 of 4 stars). 11 submissions from 11 submitters: Pathogenic (1). 10 of the submissions do not count toward it. Last evaluated 2016-09-08.

Conditions:
Breast and/or ovarian cancer. Identifiers: MedGen CN221562.
Hereditary cancer-predisposing syndrome. Also called: Neoplastic Syndromes, Hereditary; Tumor predisposition; Hereditary Cancer Syndrome; Hereditary neoplastic syndrome. Identifiers: Orphanet 140162, MedGen C0027672, MeSH D009386, MONDO:0015356.
Familial prostate cancer. Also called: Hereditary Prostate Cancer. Identifiers: MedGen C2931456, MONDO:0700275, OMIM 176807.
Hereditary breast ovarian cancer syndrome. Also called: Breast and ovarian cancer; Hereditary breast and ovarian cancer; Hereditary breast and ovarian cancer syndrome (HBOC); Hereditary breast and ovarian cancer syndrome; BRCA1- and BRCA2-Associated Hereditary Breast and Ovarian Cancer; Hereditary breast and/or ovarian cancer syndrome. Identifiers: Orphanet 145, MedGen C0677776, MeSH D061325, MONDO:0003582. Disease mechanism: loss of function.
Breast-ovarian cancer, familial, susceptibility to, 1 (BROVCA1). Also called: BRCA1 Hereditary Breast and Ovarian Cancer; OVARIAN CANCER, SUSCEPTIBILITY TO. Identifiers: Orphanet 145, MedGen C2676676, MONDO:0011450, OMIM 604370. Disease mechanism: loss of function.

Submissions (11):

Evidence-based Network for the Interpretation of Germline Mutant Alleles (ENIGMA)
Classification: Pathogenic for Breast-ovarian cancer, familial, susceptibility to, 1. Last evaluated: 2016-09-08. Review status: reviewed by expert panel. Criteria: ENIGMA BRCA1/2 Classification Criteria (2015). Collection method: curation. Allele origin: germline.
Comment: Variant allele predicted to encode a truncated non-functional protein.

Color Diagnostics, LLC DBA Color Health
Classification: Pathogenic for Hereditary cancer-predisposing syndrome. Last evaluated: 2025-05-27. Review status: criteria provided, single submitter. Criteria: ACMG Guidelines, 2015. Collection method: clinical testing. Allele origin: germline. Not counted in ClinVar's aggregate classification.
Comment: This variant changes 1 nucleotide in exon 12 of the BRCA1 gene, creating a premature translation stop signal. This variant is expected to result in an absent or non-functional protein product. To our knowledge, functional studies have not been reported for this variant. This variant has been reported in an individual affected with hereditary breast and/or ovarian cancer (PMID: 17319787, 21203900, 31409081). This variant has not been identified in the general population by the Genome Aggregation Database (gnomAD). Loss of BRCA1 function is a known mechanism of disease. Based on the available evidence, this variant is classified as Pathogenic.

Labcorp Genetics (formerly Invitae), Labcorp
Classification: Pathogenic for Hereditary breast ovarian cancer syndrome. Last evaluated: 2024-05-29. Review status: criteria provided, single submitter. Criteria: Invitae Variant Classification Sherloc (09022015). Collection method: clinical testing. Allele origin: germline. Not counted in ClinVar's aggregate classification.
Comment: This sequence change creates a premature translational stop signal (p.Gln1447*) in the BRCA1 gene. It is expected to result in an absent or disrupted protein product. Loss-of-function variants in BRCA1 are known to be pathogenic (PMID: 20104584). This variant is not present in population databases (gnomAD no frequency). This premature translational stop signal has been observed in individual(s) with hereditary breast and/or ovarian cancer (PMID: 17319787, 18489799). ClinVar contains an entry for this variant (Variation ID: 55173). For these reasons, this variant has been classified as Pathogenic.

Women's Health and Genetics/Laboratory Corporation of America, LabCorp
Classification: Pathogenic for Familial prostate cancer. Last evaluated: 2023-10-17. Review status: criteria provided, single submitter. Criteria: LabCorp Variant Classification Summary - May 2015. Collection method: clinical testing. Allele origin: germline. Not counted in ClinVar's aggregate classification.
Comment: Variant summary: BRCA1 c.4339C>T (p.Gln1447X) results in a premature termination codon, predicted to cause absence of the protein due to nonsense mediated decay, which is a commonly known mechanism for disease. The variant was absent in 251344 control chromosomes. c.4339C>T has been reported in the literature in at-least one individual affected with Cancer (example, Rebbeck_2018). To our knowledge, no experimental evidence demonstrating an impact on protein function has been reported. The following publication have been ascertained in the context of this evaluation (PMID: 29446198). Six submitters have cited clinical-significance assessments for this variant to ClinVar after 2014. All submitters classified the variant as pathogenic. Based on the evidence outlined above, the variant was classified as pathogenic.

Quest Diagnostics Nichols Institute San Juan Capistrano
Classification: Pathogenic. Last evaluated: 2023-02-06. Review status: criteria provided, single submitter. Criteria: Quest Diagnostics criteria. Collection method: clinical testing. Allele origin: unknown. Not counted in ClinVar's aggregate classification.
Comment: This nonsense variant causes the premature termination of BRCA1 protein synthesis. This variant has not been reported in large, multi-ethnic general populations. In the published literature, the variant has been reported in a family with hereditary breast and/or ovarian cancer (HBOC) (PMID: 17319787 (2007), 21203900 (2011)) and individuals and families with a high risk of HBOC (PMID: 29446198 (2018), 31409081 (2019)). Based on the available information, this variant is classified as pathogenic.

Baylor Genetics
Classification: Pathogenic for Breast-ovarian cancer, familial, susceptibility to, 1. Last evaluated: 2021-04-14. Review status: criteria provided, single submitter. Criteria: ACMG Guidelines, 2015. Collection method: clinical testing. Allele origin: unknown. Not counted in ClinVar's aggregate classification.

Consortium of Investigators of Modifiers of BRCA1/2 (CIMBA), c/o University of Cambridge
Classification: Pathogenic for Breast-ovarian cancer, familial, susceptibility to, 1. Last evaluated: 2015-10-02. Review status: criteria provided, single submitter. Criteria: CIMBA Mutation Classification guidelines May 2016. Collection method: clinical testing. Allele origin: germline. Not counted in ClinVar's aggregate classification.

KCCC/NGS Laboratory, Kuwait Cancer Control Center
Classification: Pathogenic for Breast-ovarian cancer, familial, susceptibility to, 1. Last evaluated: 2023-05-05. Review status: no assertion criteria provided. Collection method: clinical testing. Allele origin: germline. Affected: yes. Not counted in ClinVar's aggregate classification.
Comment: A known pathogenic mutation was detected in the BRCA1 gene (c.4339C>T). This sequence change creates a premature translational stop signal (p.Gln1447*) in the BRCA1 gene. It is expected to result in an absent or disrupted protein product. This variant is not present in gnomAD genomes. This variant has been observed in several individuals with hereditary breast and/or ovarian cancer (PMID: 17319787, 18489799, 21203900, 31409081). ClinVar contains an entry for this variant (Variation ID: 55173) with 7 submissions, all of which classify it as pathegenic, 3 stars and reviewd by an expert panel. Loss-of-function variants in BRCA1 are known to be pathogenic (PMID: 20104584). Therefore, this variant has been classified as Pathogenic.

CZECANCA consortium
Classification: Pathogenic for Breast and/or ovarian cancer. Last evaluated: 2019-06-11. Review status: no assertion criteria provided. Collection method: clinical testing. Allele origin: germline. Affected: yes. Observed: 1 variant allele. Not counted in ClinVar's aggregate classification.

Sharing Clinical Reports Project (SCRP)
Classification: Pathogenic for Breast-ovarian cancer, familial 1. Last evaluated: 2009-06-25. Review status: no assertion criteria provided. Collection method: clinical testing. Allele origin: germline. Not counted in ClinVar's aggregate classification.

Breast Cancer Information Core (BIC) (BRCA1)
Classification: Pathogenic for Breast-ovarian cancer, familial 1. Last evaluated: 2002-05-29. Review status: no assertion criteria provided. Collection method: clinical testing. Allele origin: germline. Affected: yes. Observed: 2 variant alleles. Not counted in ClinVar's aggregate classification.

Literature cited by the submitters: PubMed 17319787 (cited by 3 submitters); PubMed 21203900 (cited by Color Diagnostics, LLC DBA Color Health and Quest Diagnostics Nichols Institute San Juan Capistrano); PubMed 31409081 (cited by Color Diagnostics, LLC DBA Color Health and Quest Diagnostics Nichols Institute San Juan Capistrano); PubMed 20104584 (cited by Labcorp Genetics (formerly Invitae), Labcorp and KCCC/NGS Laboratory, Kuwait Cancer Control Center); PubMed 18489799 (cited by Labcorp Genetics (formerly Invitae), Labcorp); PubMed 29446198 (cited by Women's Health and Genetics/Laboratory Corporation of America, LabCorp and Quest Diagnostics Nichols Institute San Juan Capistrano); PubMed 25525159 (cited by Quest Diagnostics Nichols Institute San Juan Capistrano); PubMed 32295079 (cited by Quest Diagnostics Nichols Institute San Juan Capistrano and CZECANCA consortium).